The following is an entry in ClinVar:

ClinVar aggregate classification (germline): Likely pathogenic. Review status: criteria provided, multiple submitters, no conflicts (2 of 4 stars). 2 submissions from 2 submitters: Likely pathogenic (2). Last evaluated 2025-07-28.

Conditions:
Mucopolysaccharidosis type 1. Also called: IDUA deficiency; MPS I; Mucopolysaccharidosis Type I. Identifiers: Orphanet 579, MedGen C0023786, MONDO:0001586.

Allele frequency attached by ClinVar (database versions not stated): gnomAD exomes below 0.00001.
gnomAD v4.1: 1 of 1,611,210 alleles (0.000062%); highest among the groups gnomAD compares: East Asian, 0.0022%; no homozygotes.

Submissions (2):

Natera, Inc.
Classification: Likely pathogenic for Mucopolysaccharidosis type I. Last evaluated: 2025-07-28. Review status: criteria provided, single submitter. Criteria: Natera Variant Classification Schema (03/2026). Collection method: clinical testing. Allele origin: germline.
Comment: The c.1874A>C variant in IDUA is a missense variant predicted to cause substitution of tyrosine to serine at amino acid 625. This variant is rare in the general population with a frequency below the threshold expected for the associated phenotype(s). This variant has been observed in one or more individuals affected with the associated recessive disease, as either homozygous or compound heterozygous with a second variant (PMID: 29801497). Additionally, this variant has been observed to segregate in affected family members (PMID: 29801497). Computational prediction algorithms indicate this variant is likely to affect gene or protein function. Given the available evidence, this variant is classified as Likely Pathogenic.

Labcorp Genetics (formerly Invitae), Labcorp
Classification: Likely pathogenic for Mucopolysaccharidosis type 1. Last evaluated: 2022-11-21. Review status: criteria provided, single submitter. Criteria: Invitae Variant Classification Sherloc (09022015). Collection method: clinical testing. Allele origin: germline.
Comment: This missense change has been observed in individual(s) with mucopolysaccharidosis type I (PMID: 29801497). It has also been observed to segregate with disease in related individuals. This variant is not present in population databases (gnomAD no frequency). This sequence change replaces tyrosine, which is neutral and polar, with serine, which is neutral and polar, at codon 625 of the IDUA protein (p.Tyr625Ser). Advanced modeling of protein sequence and biophysical properties (such as structural, functional, and spatial information, amino acid conservation, physicochemical variation, residue mobility, and thermodynamic stability) has been performed at Invitae for this missense variant, however the output from this modeling did not meet the statistical confidence thresholds required to predict the impact of this variant on IDUA protein function. In summary, the currently available evidence indicates that the variant is pathogenic, but additional data are needed to prove that conclusively. Therefore, this variant has been classified as Likely Pathogenic. This variant disrupts the p.Tyr625 amino acid residue in IDUA. Other variant(s) that disrupt this residue have been determined to be pathogenic (PMID: 24767253, 27896125). This suggests that this residue is clinically significant, and that variants that disrupt this residue are likely to be disease-causing.

Literature cited by the submitters: PubMed 29801497 (cited by Natera, Inc. and Labcorp Genetics (formerly Invitae), Labcorp); PubMed 24767253 (cited by Labcorp Genetics (formerly Invitae), Labcorp); PubMed 27896125 (cited by Labcorp Genetics (formerly Invitae), Labcorp).

NM_000203.5(IDUA):c.1874A>C (p.Tyr625Ser)

Gene: IDUA (alpha-L-iduronidase; plus strand). Cytogenetic location: 4p16.3.
Variant type: single nucleotide variant.
Coding change: c.1874A>C on transcript NM_000203.5 (MANE Select); coding-DNA position 1874, A replaced by C.
Protein change: p.Tyr625Ser; replaces tyrosine 625 with serine.
Molecular consequence: missense variant. On other transcripts: non-coding transcript variant (1).
Genome position (GRCh38, 1-based): chr4:1,004,305, A>C. VCF-style: chr4-1004305-A-C. GRCh37 (hg19) VCF-style: chr4-998093-A-C.
Other names: c.1874A>C (NM_000203.4); c.1478A>C, p.Tyr493Ser (NM_001363576.1); short protein forms Y625S, Y493S.
Identifiers: ClinVar variation 2910181 (VCV002910181.4), dbSNP rs587779401, ClinGen allele CA355965961.